The following is an entry in ClinVar:

NM_000501.4(ELN):c.1233C>T (p.Val411=)

Gene: ELN (elastin; plus strand). Cytogenetic location: 7q11.23.
Variant type: single nucleotide variant.
Coding change: c.1233C>T on transcript NM_000501.4 (MANE Select); coding-DNA position 1233, C replaced by T.
Protein change: p.Val411=; no amino-acid change (valine 411 retained).
Molecular consequence: synonymous variant.
Genome position (GRCh38, 1-based): chr7:74,056,353, C>T. VCF-style: chr7-74056353-C-T. GRCh37 (hg19) VCF-style: chr7-73470683-C-T.
Other names: c.1203C>T, p.Val401= (NM_001081752.3, NM_001278917.2); c.1248C>T, p.Val416= (NM_001081753.3, NM_001081754.3); c.1233C>T, p.Val411= (NM_001081755.3, NM_001278912.2, NM_001278915.2 and 1 more transcripts); c.1125C>T, p.Val375= (NM_001278913.2); c.1218C>T, p.Val406= (NM_001278914.2); c.1191C>T, p.Val397= (NM_001278916.2); c.1101C>T, p.Val367= (NM_001278918.2).
Identifiers: ClinVar variation 43581 (VCV000043581.9), dbSNP rs202052596, ClinGen allele CA132757.
Genomic context (GRCh38, chr7:74,056,353, plus strand): 5'-TGGAGGCATTCCTACTTACGGGGTTGGAGCTGGGGGCTTTCCCGGCTTTGGTGTCGGAGT[C>T]GGAGGTATCCCTGGAGTCGCAGGTGTCCCTGGTGTCGGAGGTGTTCCCGGAGTCGGAGGT-3'
Protein context (NP_000492.2, residues 401-421): AGGFPGFGVG[Val411=]GGIPGVAGVP

ClinVar aggregate classification (germline): Likely benign. Review status: criteria provided, multiple submitters, no conflicts (2 of 4 stars). 2 submissions from 2 submitters: Likely benign (2). Last evaluated 2024-12-15.

Conditions:
Supravalvar aortic stenosis (SVAS). Also called: Supravalvar aortic stenosis, Eisenberg type. Identifiers: Orphanet 3193, MedGen C0003499, MONDO:0008504, OMIM 185500, HP:0004381.

Allele frequency attached by ClinVar (database versions not stated): gnomAD 0.00001 and 0.00002; TOPMed 0.00001; ExAC 0.00002; gnomAD exomes 0.00004; 1000 Genomes Project 0.00020; 1000 Genomes Project 30x 0.00031.
gnomAD v4.1: 73 of 1,613,540 alleles (0.0045%); highest among the groups gnomAD compares: Non-Finnish European, 0.0059%; no homozygotes.

Submissions (2):

Labcorp Genetics (formerly Invitae), Labcorp
Classification: Likely benign for Supravalvar aortic stenosis. Last evaluated: 2024-12-15. Review status: criteria provided, single submitter. Criteria: Invitae Variant Classification Sherloc (09022015). Collection method: clinical testing. Allele origin: germline.

Laboratory for Molecular Medicine, Mass General Brigham Personalized Medicine
Classification: Likely benign. Last evaluated: 2012-11-20. Review status: criteria provided, single submitter. Criteria: LMM Criteria. Collection method: clinical testing. Allele origin: germline. Observed: 1 variant allele.
Comment: Val411Val in exon 20 of ELN: This variant is not expected to have clinical signi ficance because it does not alter an amino acid residue and is not located withi n the splice consensus sequence. It has been identified in 1/122 African America n chromosomes from a broad population by the 1000 Genomes project (dbSNP rs20205 2596).